The following is an entry in ClinVar:

NM_002432.3(MNDA):c.341C>T (p.Pro114Leu)

Gene: MNDA (myeloid cell nuclear differentiation antigen; plus strand). Cytogenetic location: 1q23.1.
Variant type: single nucleotide variant.
Coding change: c.341C>T on transcript NM_002432.3 (MANE Select); coding-DNA position 341, C replaced by T.
Protein change: p.Pro114Leu; replaces proline 114 with leucine.
Molecular consequence: missense variant.
Genome position (GRCh38, 1-based): chr1:158,843,354, C>T. VCF-style: chr1-158843354-C-T. GRCh37 (hg19) VCF-style: chr1-158813144-C-T.
Other names: short protein forms P114L.
Identifiers: ClinVar variation 3222186 (VCV003222186.1), dbSNP rs201258003, ClinGen allele CA1185560.

ClinVar aggregate classification (germline): Uncertain significance (1 of 4 stars; one submission).

Allele frequency attached by ClinVar (database versions not stated): 1000 Genomes Project 30x 0.00016; 1000 Genomes Project 0.00020.
gnomAD v4.1: 12 of 1,612,768 alleles (0.00074%); highest among the groups gnomAD compares: African/African-American, 0.0013%; no homozygotes.

Submission:

Ambry Genetics
Classification: Uncertain significance. Last evaluated: 2023-09-28. Review status: criteria provided, single submitter. Criteria: Ambry Variant Classification Scheme 2023. Collection method: clinical testing. Allele origin: germline.
Comment: The p.P114L variant (also known as c.341C>T), located in coding exon 2 of the MNDA gene, results from a C to T substitution at nucleotide position 341. The proline at codon 114 is replaced by leucine, an amino acid with similar properties. This amino acid position is conserved. In addition, this alteration is predicted to be tolerated by in silico analysis. Since supporting evidence is limited at this time, the clinical significance of this alteration remains unclear.